The following is an entry in ClinVar:

ClinVar aggregate classification (germline): Uncertain significance (1 of 4 stars; one submission).

Submission:

CeGaT Center for Human Genetics Tuebingen
Classification: Uncertain significance. Last evaluated: 2025-02-01. Review status: criteria provided, single submitter. Criteria: CeGaT Center For Human Genetics Tuebingen Variant Classification Criteria Version 2. Collection method: clinical testing. Allele origin: germline. Affected: yes. Observed: 1 variant allele.
Comment: SRCAP: PM2, PS2:Moderate, BP1

NM_006662.3(SRCAP):c.8612C>T (p.Ala2871Val)

Gene: SRCAP (Snf2 related CREBBP activator protein; plus strand). Cytogenetic location: 16p11.2.
Variant type: single nucleotide variant.
Coding change: c.8612C>T on transcript NM_006662.3 (MANE Select); coding-DNA position 8612, C replaced by T.
Protein change: p.Ala2871Val; replaces alanine 2871 with valine.
Molecular consequence: missense variant.
Genome position (GRCh38, 1-based): chr16:30,738,652, C>T. VCF-style: chr16-30738652-C-T. GRCh37 (hg19) VCF-style: chr16-30749973-C-T.
Other names: short protein forms A2871V.
Identifiers: ClinVar variation 3771243 (VCV003771243.13).